The following is an entry in ClinVar:

NM_000059.4(BRCA2):c.1428_1431del (p.His477fs)

Gene: BRCA2 (BRCA2 DNA repair associated; plus strand). Cytogenetic location: 13q13.1.
Variant type: Deletion.
Coding change: c.1428_1431del on transcript NM_000059.4 (MANE Select); coding-DNA positions 1428 to 1431, 4 bases deleted (TCAT; older notation c.1428_1431delTCAT).
Protein change: p.His477fs; shifts the reading frame from histidine 477.
Molecular consequence: frameshift variant.
Genome position (GRCh38, 1-based): chr13:32,332,906-32,332,909, TCAT deleted. VCF-style (leftmost placement, unchanged base first): chr13-32332905-CTCAT-C. GRCh37 (hg19) VCF-style: chr13-32907042-CTCAT-C.
Other names: c.1428_1431delTCAT (NM_000059.3); short protein forms H477fs.
Identifiers: ClinVar variation 141510 (VCV000141510.6), dbSNP rs587781804, ClinGen allele CA012021.

ClinVar aggregate classification (germline): Pathogenic. Review status: reviewed by expert panel (3 of 4 stars). 2 submissions from 2 submitters: Pathogenic (1). 1 of the submissions does not count toward it. Last evaluated 2016-09-08.

Conditions:
Hereditary cancer-predisposing syndrome. Also called: Neoplastic Syndromes, Hereditary; Hereditary Cancer Syndrome; Hereditary neoplastic syndrome; Tumor predisposition. Identifiers: Orphanet 140162, MedGen C0027672, MeSH D009386, MONDO:0015356.
Breast-ovarian cancer, familial, susceptibility to, 2 (BROVCA2). Also called: BRCA2 Hereditary Breast and Ovarian Cancer. Identifiers: Orphanet 145, MedGen C2675520, MONDO:0012933, OMIM 612555. Disease mechanism: loss of function.

Submissions (2):

Evidence-based Network for the Interpretation of Germline Mutant Alleles (ENIGMA)
Classification: Pathogenic for Breast-ovarian cancer, familial, susceptibility to, 2. Last evaluated: 2016-09-08. Review status: reviewed by expert panel. Criteria: ENIGMA BRCA1/2 Classification Criteria (2015). Collection method: curation. Allele origin: germline.
Comment: Variant allele predicted to encode a truncated non-functional protein.

Ambry Genetics
Classification: Pathogenic for Hereditary cancer-predisposing syndrome. Last evaluated: 2013-12-29. Review status: criteria provided, single submitter. Criteria: Ambry Autosomal Dominant and X-Linked criteria (10/2015). Collection method: clinical testing. Allele origin: germline. Observed: 1 variant allele. Not counted in ClinVar's aggregate classification.
Comment: Ã¢â‚¬â€¹The c.1428_1431delTCAT pathogenic mutation (also known as c.1656_1659delTCAT), located in coding exon 9 of the BRCA2 gene, results from a deletion of 4 nucleotides (TCAT) between positions 1428 and 1431, causing a translational frameshift with a predicted alternate stop codon. Since frameshifts are typically deleterious in nature, this alteration is interpreted as a disease-causing mutation (ACMG Recommendations for Standards for Interpretation and Reporting of Sequence Variations. Revision 2007. Genet Med. 2008;10:294).